The following is an entry in ClinVar:

ClinVar aggregate classification (germline): Uncertain significance (1 of 4 stars; one submission).

Conditions:
Hereditary cancer-predisposing syndrome. Also called: Neoplastic Syndromes, Hereditary; Tumor predisposition; Hereditary Cancer Syndrome; Hereditary neoplastic syndrome. Identifiers: Orphanet 140162, MedGen C0027672, MeSH D009386, MONDO:0015356.

Submission:

Ambry Genetics
Classification: Uncertain significance for Hereditary cancer-predisposing syndrome. Last evaluated: 2022-09-11. Review status: criteria provided, single submitter. Criteria: Ambry Variant Classification Scheme 2023. Collection method: clinical testing. Allele origin: germline.
Comment: The p.F526L variant (also known as c.1578C>G), located in coding exon 12 of the SDHA gene, results from a C to G substitution at nucleotide position 1578. The phenylalanine at codon 526 is replaced by leucine, an amino acid with highly similar properties. This amino acid position is conserved. In addition, the in silico prediction for this alteration is inconclusive. Since supporting evidence is limited at this time, the clinical significance of this alteration remains unclear.

NM_004168.4(SDHA):c.1578C>G (p.Phe526Leu)

Gene: SDHA (succinate dehydrogenase complex flavoprotein subunit A; plus strand). Cytogenetic location: 5p15.33.
Variant type: single nucleotide variant.
Coding change: c.1578C>G on transcript NM_004168.4 (MANE Select); coding-DNA position 1578, C replaced by G.
Protein change: p.Phe526Leu; replaces phenylalanine 526 with leucine.
Molecular consequence: missense variant. On other transcripts: intron variant (1).
Genome position (GRCh38, 1-based): chr5:251,018, C>G. VCF-style: chr5-251018-C-G. GRCh37 (hg19) VCF-style: chr5-251133-C-G.
Other names: c.1434C>G, p.Phe478Leu (NM_001294332.2); c.1552-3375C>G (NM_001330758.2); short protein forms F526L, F478L.
Identifiers: ClinVar variation 1775621 (VCV001775621.2), dbSNP rs2126632042, ClinGen allele CA358998464.
Genomic context (GRCh38, chr5:251,018, plus strand): 5'-ATTAAAAGTTTACAAATAATATTTTGTGCCACAGTCAATGCAAAATCATGCTGCCGTGTT[C>G]CGTGTGGGAAGCGTGTTGCAAGAAGGTTGTGGGAAAATCAGCAAGCTCTATGGAGACCTA-3'
Protein context (NP_004159.2, residues 516-536): QKSMQNHAAV[Phe526Leu]RVGSVLQEGC